The following is an entry in ClinVar:

NM_000404.4(GLB1):c.76-4429G>A

Gene: GLB1 (galactosidase beta 1; minus strand). Cytogenetic location: 3p22.3.
Variant type: single nucleotide variant.
Coding change: c.76-4429G>A on transcript NM_000404.4 (MANE Select); 4429 bases into the intron before coding-DNA position 76, G replaced by A.
Molecular consequence: intron variant. On other transcripts: synonymous variant (1).
Genome position (GRCh38, 1-based): chr3:33,077,142, C>T on the plus strand (G>A on the coding strand, the complement: GLB1 is on the minus strand). VCF-style: chr3-33077142-C-T. GRCh37 (hg19) VCF-style: chr3-33118634-C-T.
Other names: c.171G>A, p.Glu57= (NM_001317040.2); c.76-4429G>A (NM_001393580.1, NM_001135602.3); c.-15-4429G>A (NM_001079811.3); c.171G>A (NM_001317040.1).
Identifiers: ClinVar variation 2653648 (VCV002653648.25), dbSNP rs774600648, ClinGen allele CA2299808.

ClinVar aggregate classification (germline): Likely benign. Review status: criteria provided, single submitter (1 of 4 stars). 2 submissions from 2 submitters: Likely benign (1). 1 of the submissions does not count toward it. Last evaluated 2022-09-01.

Conditions:
GLB1-related disorder. Also called: GLB1-related disorders. Identifiers: MedGen CN377807.

Allele frequency attached by ClinVar (database versions not stated): gnomAD 0.00024; ExAC 0.00028; TOPMed 0.00029; gnomAD exomes 0.00035.
gnomAD v4.1: 480 of 1,437,876 alleles (0.033%); highest among the groups gnomAD compares: Non-Finnish European, 0.043%; 2 homozygotes.

Submissions (2):

CeGaT Center for Human Genetics Tuebingen
Classification: Likely benign. Last evaluated: 2022-09-01. Review status: criteria provided, single submitter. Criteria: CeGaT Center For Human Genetics Tuebingen Variant Classification Criteria Version 2. Collection method: clinical testing. Allele origin: germline. Affected: yes. Observed: 1 variant allele.
Comment: GLB1: BP4, BP7

PreventionGenetics, part of Exact Sciences
Classification: Likely benign for GLB1-related condition. Last evaluated: 2019-12-23. Review status: no assertion criteria provided. Collection method: clinical testing. Allele origin: germline. Not counted in ClinVar's aggregate classification.
Comment: This variant is classified as likely benign based on ACMG/AMP sequence variant interpretation guidelines (Richards et al. 2015 PMID: 25741868, with internal and published modifications).